The following is an entry in ClinVar:

NM_002299.4(LCT):c.3904G>T (p.Ala1302Ser)

Gene: LCT (lactase; minus strand). Cytogenetic location: 2q21.3.
Variant type: single nucleotide variant.
Coding change: c.3904G>T on transcript NM_002299.4 (MANE Select); coding-DNA position 3904, G replaced by T.
Protein change: p.Ala1302Ser; replaces alanine 1302 with serine.
Molecular consequence: missense variant.
Genome position (GRCh38, 1-based): chr2:135,808,443, C>A on the plus strand (G>T on the coding strand, the complement: LCT is on the minus strand). VCF-style: chr2-135808443-C-A. GRCh37 (hg19) VCF-style: chr2-136566013-C-A.
Other names: short protein forms A1302S.
Identifiers: ClinVar variation 1363337 (VCV001363337.6), dbSNP rs896644464, ClinGen allele CA56612384.
Genomic context (GRCh38, chr2:135,808,443, plus strand): 5'-AGGCATATGACCCAGGGAATGTTGGAAGATTTCTTTAAGGGGAACTGAACCCTCACACAC[C>A]TTTCAAAGCCTCATTGATGTAGGTTTTGTGGTAAAATATCCTATCAGTATCCTCCGTGTT-3'
Protein context (NP_002290.2, residues 1292-1312): HKTYINEALK[Ala1302Ser]YRLDGIDLRG

ClinVar aggregate classification (germline): Uncertain significance (1 of 4 stars; one submission).

Allele frequency attached by ClinVar (database versions not stated): gnomAD exomes below 0.00001.
gnomAD v4.1: 4 of 1,611,416 alleles (0.00025%); highest among the groups gnomAD compares: East Asian, 0.0022%; no homozygotes.

Submission:

Labcorp Genetics (formerly Invitae), Labcorp
Classification: Uncertain significance. Last evaluated: 2021-04-25. Review status: criteria provided, single submitter. Criteria: Invitae Variant Classification Sherloc (09022015). Collection method: clinical testing. Allele origin: germline.
Comment: This variant has not been reported in the literature in individuals with LCT-related conditions. In summary, the available evidence is currently insufficient to determine the role of this variant in disease. Therefore, it has been classified as a Variant of Uncertain Significance. Nucleotide substitutions within the consensus splice site are a relatively common cause of aberrant splicing (PMID: 17576681, 9536098). Algorithms developed to predict the effect of sequence changes on RNA splicing suggest that this variant may disrupt the consensus splice site, but this prediction has not been confirmed by published transcriptional studies. Algorithms developed to predict the effect of missense changes on protein structure and function are either unavailable or do not agree on the potential impact of this missense change (SIFT: "Not Available"; PolyPhen-2: "Probably Damaging"; Align-GVGD: "Not Available"). This variant is not present in population databases (ExAC no frequency). This sequence change replaces alanine with serine at codon 1302 of the LCT protein (p.Ala1302Ser). The alanine residue is highly conserved and there is a moderate physicochemical difference between alanine and serine. This variant also falls at the last nucleotide of exon 8, which is part of the consensus splice site for this exon.

Literature cited by the submitters: PubMed 17576681; PubMed 9536098.